The following is an entry in ClinVar:

ClinVar aggregate classification (germline): Pathogenic (1 of 4 stars; one submission).

Conditions:
Leukocyte adhesion deficiency 3. Also called: Leukocyte adhesion deficiency, type III; INTEGRIN ACTIVATION DEFICIENCY DISEASE; LEUKOCYTE ADHESION DEFICIENCY 1 VARIANT. Identifiers: Orphanet 2968, Orphanet 99844, MedGen C2748536, MONDO:0013016, OMIM 612840.

Submission:

Labcorp Genetics (formerly Invitae), Labcorp
Classification: Pathogenic for Leukocyte adhesion deficiency 3. Last evaluated: 2021-07-17. Review status: criteria provided, single submitter. Criteria: Invitae Variant Classification Sherloc (09022015). Collection method: clinical testing. Allele origin: germline.
Comment: This sequence change creates a premature translational stop signal (p.Met181Cysfs*18) in the FERMT3 gene. It is expected to result in an absent or disrupted protein product. Loss-of-function variants in FERMT3 are known to be pathogenic (PMID: 19064721, 19234463, 22134107). This variant is not present in population databases (ExAC no frequency). This variant has not been reported in the literature in individuals with FERMT3-related conditions. For these reasons, this variant has been classified as Pathogenic.

Literature cited by the submitters: PubMed 19064721; PubMed 19234463; PubMed 22134107.

NM_031471.6(FERMT3):c.540del (p.Met181fs)

Gene: FERMT3 (FERM domain containing kindlin 3; plus strand). Cytogenetic location: 11q13.1.
Variant type: Deletion.
Coding change: c.540del on transcript NM_031471.6 (MANE Select); coding-DNA position 540, one base deleted (G; older notation c.540delG).
Protein change: p.Met181fs; shifts the reading frame from methionine 181.
Molecular consequence: frameshift variant. On other transcripts: 5 prime UTR variant (2).
Genome position (GRCh38, 1-based): chr11:64,211,300, G deleted; the last of 5 consecutive G bases (chr11:64,211,296-64,211,300); deleting any one gives the same sequence. VCF-style (leftmost placement, unchanged base first): chr11-64211295-CG-C. GRCh37 (hg19) VCF-style: chr11-63978767-CG-C.
Other names: c.540del, p.Met181fs (NM_001382361.1, NM_001382362.1, NM_001382448.1 and 1 more transcripts); c.-1del (NM_001382363.1, NM_001382364.1); short protein forms M181fs.
Identifiers: ClinVar variation 1453537 (VCV001453537.6), dbSNP rs2134845306, ClinGen allele CA2573147485.
Genomic context (GRCh38, chr11:64,211,295, plus strand): 5'-CTGGGGGACAGGCCTGGTTGACTCCCAACCTGCACTCCAGGCGTGGCACCTGCACTGTTC[CG>C]GGGGATGCCAGCTCACTTCTCGGACAGCGCCCAGACTGAGGCCTGCTACCACATGCTGAG-3'